The following is an entry in ClinVar:

ClinVar aggregate classification (germline): Uncertain significance. Review status: criteria provided, multiple submitters, no conflicts (2 of 4 stars). 4 submissions from 4 submitters: Uncertain significance (4). Last evaluated 2026-04-07.

gnomAD v4.1: 171 of 1,560,098 alleles (0.011%); highest among the groups gnomAD compares: South Asian, 0.066%; no homozygotes.

Submissions (4):

Women's Health and Genetics/Laboratory Corporation of America, LabCorp
Classification: Uncertain significance. Last evaluated: 2026-04-07. Review status: criteria provided, single submitter. Criteria: LabCorp Variant Classification Summary - May 2015. Collection method: clinical testing. Allele origin: germline.
Comment: Variant summary: CCDC88A c.1506G>C (p.Arg502Ser) results in a non-conservative amino acid change in the encoded protein sequence. Algorithms developed to predict the effect of missense changes on protein structure and function are either unavailable or do not agree on the potential impact of this missense change. The variant allele was found at a frequency of 0.00016 in 222990 control chromosomes. This frequency is not significantly higher than estimated for disease-causing variants in CCDC88A, allowing no conclusion about variant significance. To our knowledge, no occurrence of c.1506G>C in individuals affected with CCDC88A-related conditions and no experimental evidence demonstrating its impact on protein function have been reported. ClinVar contains an entry for this variant (Variation ID: 1507684). Based on the evidence outlined above, the variant was classified as uncertain significance.

GeneDx
Classification: Uncertain significance. Last evaluated: 2025-04-06. Review status: criteria provided, single submitter. Criteria: GeneDx Variant Classification Process June 2021. Collection method: clinical testing. Allele origin: germline. Affected: yes.
Comment: In silico analysis indicates that this missense variant does not alter protein structure/function; Has not been previously published as pathogenic or benign to our knowledge

Ambry Genetics
Classification: Uncertain significance. Last evaluated: 2023-12-17. Review status: criteria provided, single submitter. Criteria: Ambry Variant Classification Scheme 2023. Collection method: clinical testing. Allele origin: germline.

Labcorp Genetics (formerly Invitae), Labcorp
Classification: Uncertain significance. Last evaluated: 2022-08-22. Review status: criteria provided, single submitter. Criteria: Invitae Variant Classification Sherloc (09022015). Collection method: clinical testing. Allele origin: germline.
Comment: This sequence change replaces arginine, which is basic and polar, with serine, which is neutral and polar, at codon 502 of the CCDC88A protein (p.Arg502Ser). This variant is present in population databases (rs563014353, gnomAD 0.1%). This variant has not been reported in the literature in individuals affected with CCDC88A-related conditions. ClinVar contains an entry for this variant (Variation ID: 1507684). Algorithms developed to predict the effect of missense changes on protein structure and function are either unavailable or do not agree on the potential impact of this missense change (SIFT: "Deleterious"; PolyPhen-2: "Benign"; Align-GVGD: "Class C0"). In summary, the available evidence is currently insufficient to determine the role of this variant in disease. Therefore, it has been classified as a Variant of Uncertain Significance.

NM_001365480.1(CCDC88A):c.1506G>C (p.Arg502Ser)

Gene: CCDC88A (coiled-coil and HOOK domain protein 88A; minus strand). Cytogenetic location: 2p16.1.
Variant type: single nucleotide variant.
Coding change: c.1506G>C on transcript NM_001365480.1 (MANE Select); coding-DNA position 1506, G replaced by C.
Protein change: p.Arg502Ser; replaces arginine 502 with serine.
Molecular consequence: missense variant.
Genome position (GRCh38, 1-based): chr2:55,339,476, C>G on the plus strand (G>C on the coding strand, the complement: CCDC88A is on the minus strand). VCF-style: chr2-55339476-C-G. GRCh37 (hg19) VCF-style: chr2-55566612-C-G.
Other names: c.1506G>C, p.Arg502Ser (NM_001135597.2, NM_001254943.2, NM_018084.5); c.1506G>C (NM_001135597.1); short protein forms R502S.
Identifiers: ClinVar variation 1507684 (VCV001507684.7), dbSNP rs563014353, ClinGen allele CA1666135.
Genomic context (GRCh38, chr2:55,339,476, plus strand): 5'-TTTTACAAGTTTTTTTAACATTAAAATAAACACTACATTTTAATTTACCTTTTTACTGAG[C>G]CTTTGATTTTCTTTTTCCATTTTCAGGATTTTGGAAGCATTGCCTTCTACAGAATCCACA-3'
Protein context (NP_001352409.1, residues 492-512): KILKMEKENQ[Arg502Ser]LSKKVEILEN